The following is an entry in ClinVar:

NM_003482.4(KMT2D):c.13586G>A (p.Ser4529Asn)

Gene: KMT2D (lysine methyltransferase 2D; minus strand). Cytogenetic location: 12q13.12.
Variant type: single nucleotide variant.
Coding change: c.13586G>A on transcript NM_003482.4 (MANE Select); coding-DNA position 13586, G replaced by A.
Protein change: p.Ser4529Asn; replaces serine 4529 with asparagine.
Molecular consequence: missense variant.
Genome position (GRCh38, 1-based): chr12:49,030,978, C>T on the plus strand (G>A on the coding strand, the complement: KMT2D is on the minus strand). VCF-style: chr12-49030978-C-T. GRCh37 (hg19) VCF-style: chr12-49424761-C-T.
Other names: short protein forms S4529N.
Identifiers: ClinVar variation 2051111 (VCV002051111.5), dbSNP rs1354952443, ClinGen allele CA384703530.

ClinVar aggregate classification (germline): Benign/Likely benign. Review status: criteria provided, multiple submitters, no conflicts (2 of 4 stars). 2 submissions from 2 submitters: Benign (1); Likely benign (1). Last evaluated 2026-09-08.

Conditions:
Kabuki syndrome. Also called: Kabuki make-up syndrome; NIIKAWA-KUROKI SYNDROME. Identifiers: Orphanet 2322, MedGen C0796004, MONDO:0016512.
KMT2D-related disorder. Also called: KMT2D-Related Disorders.

Allele frequency attached by ClinVar (database versions not stated): gnomAD exomes 0.00001; TOPMed 0.00002; gnomAD 0.00003.
gnomAD v4.1: 13 of 1,613,900 alleles (0.00081%); highest among the groups gnomAD compares: African/African-American, 0.0013%; no homozygotes.

Submissions (2):

PreventionGenetics, part of Exact Sciences
Classification: Likely benign for KMT2D-related condition. Last evaluated: 2026-09-08. Review status: criteria provided, single submitter. Criteria: ACMG Guidelines, 2015. Collection method: clinical testing. Allele origin: germline.
Comment: This variant is classified as likely benign based on ACMG/AMP sequence variant interpretation guidelines (Richards et al. 2015 PMID: 25741868, with internal and published modifications).

Labcorp Genetics (formerly Invitae), Labcorp
Classification: Benign for Kabuki syndrome. Last evaluated: 2022-10-17. Review status: criteria provided, single submitter. Criteria: Invitae Variant Classification Sherloc (09022015). Collection method: clinical testing. Allele origin: germline.